The following is an entry in ClinVar:

ClinVar aggregate classification (germline): Uncertain significance. Review status: criteria provided, multiple submitters, no conflicts (2 of 4 stars). 2 submissions from 2 submitters: Uncertain significance (2). Last evaluated 2021-05-06.

Conditions:
Dilated cardiomyopathy 1G (CMD1G). Identifiers: Orphanet 154, MedGen C1858763, MONDO:0011400, OMIM 604145.

Allele frequency attached by ClinVar (database versions not stated): gnomAD 0.00001.
gnomAD v4.1: 7 of 1,605,416 alleles (0.00044%); highest among the groups gnomAD compares: Middle Eastern, 0.066%; no homozygotes.

Submissions (2):

Victorian Clinical Genetics Services, Murdoch Childrens Research Institute
Classification: Uncertain significance for Dilated cardiomyopathy 1G. Last evaluated: 2021-05-06. Review status: criteria provided, single submitter. Criteria: ACMG Guidelines, 2015. Collection method: clinical testing. Allele origin: germline. Inheritance: Autosomal dominant inheritance. Affected: yes.
Comment: Based on the classification scheme VCGS_Germline_v1.3.4, this variant is classified as VUS-3B. Following criteria are met: 0102 - Loss of function is known mechanism of disease in this gene. In addition, dominant-negative is also a suggested mechanism as not all truncated transcripts in dilated cardiomyopathy (DCM) undergo nonsense mediated decay (PMID: 25589632). (I) 0108 - This gene is associated with both recessive and dominant disease (OMIM). (I) 0112 - The condition associated with this gene has incomplete penetrance. Protein truncating variants in this gene are known to have reduced penetrance in DCM (PMID: 25589632). (I) 0200 - Variant is predicted to result in a missense amino acid change from serine to proline. However, this variant is found at the intron-exon junction and has a potential effect on splicing. (I) 0251 - This variant is heterozygous. (I) 0302 - Variant is present in gnomAD (v3) <0.001 for a dominant condition (1 heterozygote, 0 homozygotes). (SP) 0502 - Missense variant with conflicting in silico predictions and uninformative conservation. This nucleotide is highly conserved, but in silicos tools do not predict an effect on splicing. (I) 0600 - Variant is located in the annotated Fibronectin type-III domain, within the A-band region (PSI = 1) (Cardiodb, PMID: 25589632). (I) 0705 - No comparable missense variants have previous evidence for pathogenicity. (I) 0807 - This variant has no previous evidence of pathogenicity. (I) 0905 - No published segregation evidence has been identified for this variant. (I) 1007 - No published functional evidence has been identified for this variant. (I) 1208 - Inheritance information for this variant is not currently available in this individual. (I) Legend: (SP) - Supporting pathogenic, (I) - Information, (SB) - Supporting benign

Revvity Omics, Revvity
Classification: Uncertain significance. Last evaluated: 2021-03-15. Review status: criteria provided, single submitter. Criteria: ACMG Guidelines, 2015. Collection method: clinical testing. Allele origin: germline.

Literature cited by the submitters: PubMed 25589632 (cited by Victorian Clinical Genetics Services, Murdoch Childrens Research Institute).

NM_001267550.2(TTN):c.99289T>C (p.Ser33097Pro)

Genes: TTN (titin; minus strand), TTN-AS1 (TTN antisense RNA 1; plus strand). Cytogenetic location: 2q31.2.
Variant type: single nucleotide variant.
Coding change: c.99289T>C on transcript NM_001267550.2 (MANE Select); coding-DNA position 99289, T replaced by C.
Protein change: p.Ser33097Pro; replaces serine 33097 with proline.
Molecular consequence: missense variant.
Genome position (GRCh38, 1-based): chr2:178,538,540, A>G on the plus strand (T>C on the coding strand, the complement: TTN is on the minus strand). VCF-style: chr2-178538540-A-G. GRCh37 (hg19) VCF-style: chr2-179403267-A-G.
Other names: c.94366T>C, p.Ser31456Pro (NM_001256850.1); c.72094T>C, p.Ser24032Pro (NM_003319.4); c.91585T>C, p.Ser30529Pro (NM_133378.4); c.72469T>C, p.Ser24157Pro (NM_133432.3); c.72670T>C, p.Ser24224Pro (NM_133437.4); short protein forms S24032P, S24157P, S24224P, S30529P, S31456P, S33097P.
Identifiers: ClinVar variation 2438128 (VCV002438128.4), dbSNP rs1205532462, ClinGen allele CA349430529.